The following is an entry in ClinVar:

ClinVar aggregate classification (germline): Uncertain significance (1 of 4 stars; one submission).

Conditions:
Arrhythmogenic cardiomyopathy with wooly hair and keratoderma. Also called: PALMOPLANTAR KERATODERMA WITH LEFT VENTRICULAR CARDIOMYOPATHY AND WOOLLY HAIR; Dilated cardiomyopathy with woolly hair and keratoderma; Carvajal syndrome; Arrhythmogenic cardiomyopathy with woolly hair and keratoderma. Identifiers: Orphanet 65282, MedGen C1854063, MONDO:0011581, OMIM 605676.
Arrhythmogenic right ventricular dysplasia 8 (ARVD8). Also called: Arrhythmogenic Right Ventricular Dysplasia/Cardiomyopathy 8; ARRHYTHMOGENIC RIGHT VENTRICULAR DYSPLASIA, FAMILIAL, 8; ARRHYTHMOGENIC RIGHT VENTRICULAR CARDIOMYOPATHY 8. Identifiers: MedGen C1843896, MONDO:0011831, OMIM 607450.

gnomAD v4.1: 1 of 1,614,244 alleles (0.000062%); highest among the groups gnomAD compares: Non-Finnish European, 0.000085%; no homozygotes.

Submission:

Labcorp Genetics (formerly Invitae), Labcorp
Classification: Uncertain significance for Arrhythmogenic cardiomyopathy with wooly hair and keratoderma; Arrhythmogenic right ventricular dysplasia 8. Last evaluated: 2024-03-17. Review status: criteria provided, single submitter. Criteria: Invitae Variant Classification Sherloc (09022015). Collection method: clinical testing. Allele origin: germline.
Comment: This sequence change replaces aspartic acid, which is acidic and polar, with glycine, which is neutral and non-polar, at codon 80 of the DSP protein (p.Asp80Gly). This variant is not present in population databases (gnomAD no frequency). This variant has not been reported in the literature in individuals affected with DSP-related conditions. An algorithm developed to predict the effect of missense changes on protein structure and function (PolyPhen-2) suggests that this variant is likely to be disruptive. In summary, the available evidence is currently insufficient to determine the role of this variant in disease. Therefore, it has been classified as a Variant of Uncertain Significance.

NM_004415.4(DSP):c.239A>G (p.Asp80Gly)

Gene: DSP (desmoplakin; plus strand). Cytogenetic location: 6p24.3.
Variant type: single nucleotide variant.
Coding change: c.239A>G on transcript NM_004415.4 (MANE Select); coding-DNA position 239, A replaced by G.
Protein change: p.Asp80Gly; replaces aspartic acid 80 with glycine.
Molecular consequence: missense variant.
Genome position (GRCh38, 1-based): chr6:7,555,786, A>G. VCF-style: chr6-7555786-A-G. GRCh37 (hg19) VCF-style: chr6-7556019-A-G.
Other names: c.239A>G, p.Asp80Gly (NM_001008844.3, NM_001319034.2, NM_001406591.1); short protein forms D80G.
Identifiers: ClinVar variation 3748408 (VCV003748408.2).
Genomic context (GRCh38, chr6:7,555,786, plus strand): 5'-GCACGATGTCCAGGCACCAGAACCAGAACACCATCCAGGAGCTGCTGCAGAACTGCTCCG[A>G]CTGCTTGATGCGAGCAGAGCTCATCGTGCAGCCTGTAAGCTTTCCCTGTTCCCATCGCTT-3'
Protein context (NP_004406.2, residues 70-90): TIQELLQNCS[Asp80Gly]CLMRAELIVQ